The following is an entry in ClinVar:

ClinVar aggregate classification (germline): Uncertain significance (1 of 4 stars; one submission).

gnomAD v4.1: 2 of 1,614,000 alleles (0.00012%); highest among the groups gnomAD compares: South Asian, 0.0022%; no homozygotes.

Submission:

GeneDx
Classification: Uncertain significance. Last evaluated: 2019-07-10. Review status: criteria provided, single submitter. Criteria: GeneDx Variant Classification Process June 2021. Collection method: clinical testing. Allele origin: germline. Affected: yes.
Comment: Not observed in large population cohorts (Lek et al., 2016); In silico analysis, which includes protein predictors and evolutionary conservation, supports that this variant does not alter protein structure/function. However, in silico splice predictors suggest this variant may impact gene splicing. In the absence of RNA/functional studies, the actual effect of this sequence change is unknown; Has not been previously published as pathogenic or benign to our knowledge

NM_018489.3(ASH1L):c.2101A>G (p.Ser701Gly)

Gene: ASH1L (ASH1 like histone lysine methyltransferase; minus strand). Cytogenetic location: 1q22.
Variant type: single nucleotide variant.
Coding change: c.2101A>G on transcript NM_018489.3 (MANE Select); coding-DNA position 2101, A replaced by G.
Protein change: p.Ser701Gly; replaces serine 701 with glycine.
Molecular consequence: missense variant.
Genome position (GRCh38, 1-based): chr1:155,480,769, T>C on the plus strand (A>G on the coding strand, the complement: ASH1L is on the minus strand). VCF-style: chr1-155480769-T-C. GRCh37 (hg19) VCF-style: chr1-155450560-T-C.
Other names: c.2101A>G, p.Ser701Gly (NM_001366177.2); short protein forms S701G.
Identifiers: ClinVar variation 1320738 (VCV001320738.2), dbSNP rs2148727771, ClinGen allele CA342727789.